The following is an entry in ClinVar:

ClinVar aggregate classification (germline): Pathogenic. Review status: criteria provided, single submitter (1 of 4 stars). 2 submissions from 2 submitters: Pathogenic (1). 1 of the submissions does not count toward it. Last evaluated 2025-08-21.

Conditions:
MCCC1-related disorder. Also called: MCCC1-related condition.
3-methylcrotonyl-CoA carboxylase 1 deficiency (MCC1D). Also called: MCCD TYPE 1; METHYLCROTONYLGLYCINURIA TYPE I; MCC 1 deficiency; 3 Alpha methylcrotonylglycinuria 1. Identifiers: Orphanet 6, MedGen CN028786, MONDO:0008861, OMIM 210200.

Allele frequency attached by ClinVar (database versions not stated): ExAC 0.00002.

Submissions (2):

Labcorp Genetics (formerly Invitae), Labcorp
Classification: Pathogenic for 3-methylcrotonyl-CoA carboxylase 1 deficiency. Last evaluated: 2025-08-21. Review status: criteria provided, single submitter. Criteria: Invitae Variant Classification Sherloc (09022015). Collection method: clinical testing. Allele origin: germline.
Comment: This sequence change affects the initiator codon of the MCCC1 mRNA. This change may impact translation initiation or efficiency. The next in-frame methionine is located at codon 39. The frequency data for this variant in the population databases is considered unreliable, as metrics indicate poor data quality at this position in the gnomAD database. Disruption of the initiator codon has been observed in individual(s) with 3-methylcrotonyl-CoA carboxylase deficiency (PMID: 36822454; internal data). ClinVar contains an entry for this variant (Variation ID: 1066544). For these reasons, this variant has been classified as Pathogenic.

PreventionGenetics, part of Exact Sciences
Classification: Uncertain significance for MCCC1-related condition. Last evaluated: 2024-03-20. Review status: no assertion criteria provided. Collection method: clinical testing. Allele origin: germline. Not counted in ClinVar's aggregate classification.
Comment: The MCCC1 c.2T>C variant is predicted to disrupt the translation initiation site (Start loss). To our knowledge, this variant has not been reported in the literature. However, an alternate variant that is predicted to disrupt the start codon (c.1A>G) was reported along with an MCCC1 frameshift variant in an individual with abnormal newborn screen results suggestive of 3-methylcrotonyl-CoA carboxylase (3-MCC) deficiency (Kim et al. 2017. DOI 10.5734/JGM.2017.14.1.23). In addition, both the c.1A>G variant and the c.2T>C variant detected in this patient have been reported in ClinVar with interpretations of likely pathogenic based on internal laboratory data. Although this variant is predicted to disrupt the canonical start codon, another methionine codon is located relatively close by (p.Met39). This variant is reported in 0.0030% of alleles in individuals of Latino descent in gnomAD. Although we suspect that this variant may be pathogenic, at this time, the clinical significance of this variant is uncertain due to the absence of conclusive functional and genetic evidence.

Literature cited by the submitters: PubMed 36822454 (cited by Labcorp Genetics (formerly Invitae), Labcorp).

NM_020166.5(MCCC1):c.2T>C (p.Met1Thr)

Genes: MCCC1 (methylcrotonyl-CoA carboxylase subunit 1; minus strand), LOC129938008 (ATAC-STARR-seq lymphoblastoid active region 20884; plus strand). Cytogenetic location: 3q27.1.
Variant type: single nucleotide variant.
Coding change: c.2T>C on transcript NM_020166.5 (MANE Select); coding-DNA position 2, T replaced by C.
Protein change: p.Met1Thr; changes the start codon (methionine 1).
Molecular consequence: missense variant, initiator codon variant. On other transcripts: 5 prime UTR variant (2), non-coding transcript variant (1).
Genome position (GRCh38, 1-based): chr3:183,099,439, A>G on the plus strand (T>C on the coding strand, the complement: MCCC1 is on the minus strand). VCF-style: chr3-183099439-A-G. GRCh37 (hg19) VCF-style: chr3-182817227-A-G.
Other names: c.-91T>C (NM_001293273.2); c.-189T>C (NM_001363880.1); c.2T>C (NM_020166.4); short protein forms M1T.
Identifiers: ClinVar variation 1066544 (VCV001066544.10), dbSNP rs776254500, ClinGen allele CA2719250.